The following is an entry in ClinVar:

ClinVar aggregate classification (germline): Uncertain significance (1 of 4 stars; one submission).

Conditions:
Schnyder crystalline corneal dystrophy (SCCD). Also called: Crystalline corneal dystrophy; Schnyder corneal dystrophy. Identifiers: Orphanet 98967, MedGen C0271287, MONDO:0007374, OMIM 121800.

Submission:

Illumina Laboratory Services, Illumina
Classification: Uncertain significance for Schnyder crystalline corneal dystrophy. Last evaluated: 2017-04-27. Review status: criteria provided, single submitter. Criteria: ICSL Variant Classification Criteria 13 December 2019. Collection method: clinical testing. Allele origin: germline.
Comment: This variant was observed as part of a predisposition screen in an ostensibly healthy population. A literature search was performed for the gene, cDNA change, and amino acid change (where applicable). Publications were found based on this search. However, the evidence from the literature, in combination with allele frequency data from public databases where available, was not sufficient to rule this variant in or out of causing disease. Therefore, this variant is classified as a variant of unknown significance.

Literature cited by the submitters: PubMed 23564352.

NM_013319.3(UBIAD1):c.711G>T (p.Met237Ile)

Gene: UBIAD1 (UbiA prenyltransferase domain containing 1; plus strand). Cytogenetic location: 1p36.22.
Variant type: single nucleotide variant.
Coding change: c.711G>T on transcript NM_013319.3 (MANE Select); coding-DNA position 711, G replaced by T.
Protein change: p.Met237Ile; replaces methionine 237 with isoleucine.
Molecular consequence: missense variant. On other transcripts: intron variant (2).
Genome position (GRCh38, 1-based): chr1:11,285,825, G>T. VCF-style: chr1-11285825-G-T. GRCh37 (hg19) VCF-style: chr1-11345882-G-T.
Other names: c.618+93G>T (NM_001330349.2); c.530-9048G>T (NM_001330350.2); short protein forms M237I.
Identifiers: ClinVar variation 876929 (VCV000876929.4), dbSNP rs776301691, ClinGen allele CA338692103.
Genomic context (GRCh38, chr1:11,285,825, plus strand): 5'-TGCCATCCCCCTCGCCCTCAGCACCGAGGCCATTCTCCATTCCAACAACACCAGGGACAT[G>T]GAGTCCGACCGGGAGGCTGGTATCGTCACGCTGGCCATCCTCATCGGCCCCACGTTCTCC-3'
Protein context (NP_037451.1, residues 227-247): AILHSNNTRD[Met237Ile]ESDREAGIVT